The following is an entry in ClinVar:

NM_001099289.3(SH3RF3):c.1939G>A (p.Val647Met)

Genes: RANBP2 (RAN binding protein 2; plus strand), SH3RF3 (SH3 domain containing ring finger 3; plus strand). Cytogenetic location: 2q13.
Variant type: single nucleotide variant.
Coding change: c.1939G>A on transcript NM_001099289.3 (MANE Select); coding-DNA position 1939, G replaced by A.
Protein change: p.Val647Met; replaces valine 647 with methionine.
Molecular consequence: missense variant.
Genome position (GRCh38, 1-based): chr2:109,449,280, G>A. VCF-style: chr2-109449280-G-A. GRCh37 (hg19) VCF-style: chr2-110065736-G-A.
Other names: short protein forms V647M.
Identifiers: ClinVar variation 3953842 (VCV003953842.1).

ClinVar aggregate classification (germline): Uncertain significance (1 of 4 stars; one submission).

gnomAD v4.1: 14 of 1,610,674 alleles (0.00087%); highest among the groups gnomAD compares: African/African-American, 0.017%; no homozygotes.

Submission:

Ambry Genetics
Classification: Uncertain significance. Last evaluated: 2025-06-03. Review status: criteria provided, single submitter. Criteria: Ambry Variant Classification Scheme 2023. Collection method: clinical testing. Allele origin: germline.
Comment: The c.1939G>A (p.V647M) alteration is located in exon (coding exon ) of the SH3RF3 gene. This alteration results from a G to A substitution at nucleotide position 1939, causing the valine (V) at amino acid position 647 to be replaced by a methionine (M). Based on insufficient or conflicting evidence, the clinical significance of this alteration remains unclear.